The following is an entry in ClinVar:

NM_001321075.3(DLG4):c.170C>T (p.Thr57Ile)

Gene: DLG4 (discs large MAGUK scaffold protein 4; minus strand). Cytogenetic location: 17p13.1.
Variant type: single nucleotide variant.
Coding change: c.170C>T on transcript NM_001321075.3 (MANE Select); coding-DNA position 170, C replaced by T.
Protein change: p.Thr57Ile; replaces threonine 57 with isoleucine.
Molecular consequence: missense variant. On other transcripts: 5 prime UTR variant (2), non-coding transcript variant (1).
Genome position (GRCh38, 1-based): chr17:7,204,048, G>A on the plus strand (C>T on the coding strand, the complement: DLG4 is on the minus strand). VCF-style: chr17-7204048-G-A. GRCh37 (hg19) VCF-style: chr17-7107367-G-A.
Other names: c.161C>T, p.Thr54Ile (NM_001128827.4); c.290C>T, p.Thr97Ile (NM_001321074.1); c.-11C>T (NM_001321076.3, NM_001321077.3); c.299C>T, p.Thr100Ile (NM_001365.5); c.89C>T, p.Thr30Ile (NM_001369566.3); short protein forms T100I, T54I, T30I, T57I, T97I.
Identifiers: ClinVar variation 2356242 (VCV002356242.27), dbSNP rs200154740, ClinGen allele CA8337270.

ClinVar aggregate classification (germline): Likely benign. Review status: criteria provided, multiple submitters, no conflicts (2 of 4 stars). 3 submissions from 3 submitters: Likely benign (2). 1 of the submissions does not count toward it. Last evaluated 2026-04-01.

Conditions:
DLG4-related disorder. Also called: DLG4-related condition.
Inborn genetic diseases. Identifiers: MedGen C0950123, MeSH D030342.

Allele frequency attached by ClinVar (database versions not stated): 1000 Genomes Project 30x 0.00016; 1000 Genomes Project 0.00020; ExAC 0.00069; ESP Exome Variant Server 0.00072; gnomAD 0.00072; TOPMed 0.00079; gnomAD exomes 0.00099.
gnomAD v4.1: 1,545 of 1,609,858 alleles (0.096%); highest among the groups gnomAD compares: Admixed American, 0.2%; 3 homozygotes.

Submissions (3):

CeGaT Center for Human Genetics Tuebingen
Classification: Likely benign. Last evaluated: 2026-04-01. Review status: criteria provided, single submitter. Criteria: CeGaT Center For Human Genetics Tuebingen Variant Classification Criteria Version 2. Collection method: clinical testing. Allele origin: germline. Affected: yes. Observed: 2 variant alleles.
Comment: DLG4: PP2, BS1

Ambry Genetics
Classification: Likely benign for Inborn genetic diseases. Last evaluated: 2022-02-28. Review status: criteria provided, single submitter. Criteria: Ambry Variant Classification Scheme 2023. Collection method: clinical testing. Allele origin: germline.

PreventionGenetics, part of Exact Sciences
Classification: Likely benign for DLG4-related condition. Last evaluated: 2022-08-30. Review status: no assertion criteria provided. Collection method: clinical testing. Allele origin: germline. Not counted in ClinVar's aggregate classification.
Comment: This variant is classified as likely benign based on ACMG/AMP sequence variant interpretation guidelines (Richards et al. 2015 PMID: 25741868, with internal and published modifications).